The following is an entry in ClinVar:

ClinVar aggregate classification (germline): Pathogenic (1 of 4 stars; one submission).

Conditions:
Deafness-lymphedema-leukemia syndrome. Also called: Emberger syndrome; Lymphedema, primary, with myelodysplasia. Identifiers: Orphanet 3226, MedGen C3279664, MONDO:0013540, OMIM 614038.
GATA2 deficiency with susceptibility to MDS/AML. Identifiers: MedGen CN300066, MONDO:0042982.

Submission:

Molecular Pathology Research Laboratory, SA Pathology
Classification: Pathogenic for GATA2 deficiency with susceptibility to MDS/AML; Deafness-lymphedema-leukemia syndrome. Last evaluated: 2021-07-06. Review status: criteria provided, single submitter. Criteria: ACMG Guidelines, 2015. Collection method: curation. Allele origin: unknown. Inheritance: Autosomal dominant inheritance. Affected: yes. Observed: 3 variant alleles. Clinical features observed: Myelodysplasia, Acute Myeloid Leukemia, Immunodeficiency, Lymphedema, Hematological abnormality.
Comment: PVS1, PS4_Moderate, PM2

Literature cited by the submitters: PubMed 28440875; PubMed 29724903; PubMed 27799394.

NM_032638.5(GATA2):c.1020_1029dup (p.Arg344fs)

Gene: GATA2 (GATA binding protein 2; minus strand). Cytogenetic location: 3q21.3.
Variant type: Duplication.
Coding change: c.1020_1029dup on transcript NM_032638.5 (MANE Select); coding-DNA positions 1020 to 1029, 10 bases duplicated (GGCCGCCAGA; older notation c.1020_1029dupGGCCGCCAGA).
Protein change: p.Arg344fs; shifts the reading frame from arginine 344.
Molecular consequence: frameshift variant. On other transcripts: intron variant (1).
Genome position (GRCh38, 1-based): chr3:128,481,933-128,481,942, TCTGGCGGCC duplicated on the plus strand (GGCCGCCAGA on the coding strand, the reverse complement: GATA2 is on the minus strand). VCF-style (leftmost placement, unchanged base first): chr3-128481932-T-TTCTGGCGGCC. GRCh37 (hg19) VCF-style: chr3-128200775-T-TTCTGGCGGCC.
Other names: c.1020_1029dup, p.Arg344fs (NM_001145661.2); c.1018-40_1018-31dup (NM_001145662.1); short protein forms R344fs.
Identifiers: ClinVar variation 1184219 (VCV001184219.1), dbSNP rs2107668812, ClinGen allele CA2499216443.
Genomic context (GRCh38, chr3:128,481,932, plus strand): 5'-CGTTTCGGCGCCATAAGGTGGTGGTTGTCGTCTGACAATTTGCACAACAGGTGCCGGCTC[T>TTCTGGCGGCC]TCTGGCGGCCGACTGGGAGGGCAAGGCAGCGTCAGCAGGCTGGACTCCCACGCCCACCTC-3'